The following is an entry in ClinVar:

NM_018076.5(ODAD2):c.1468A>T (p.Ile490Phe)

Gene: ODAD2 (outer dynein arm docking complex subunit 2; minus strand). Cytogenetic location: 10p12.1.
Variant type: single nucleotide variant.
Coding change: c.1468A>T on transcript NM_018076.5 (MANE Select); coding-DNA position 1468, A replaced by T.
Protein change: p.Ile490Phe; replaces isoleucine 490 with phenylalanine.
Molecular consequence: missense variant.
Genome position (GRCh38, 1-based): chr10:27,944,881, T>A on the plus strand (A>T on the coding strand, the complement: ODAD2 is on the minus strand). VCF-style: chr10-27944881-T-A. GRCh37 (hg19) VCF-style: chr10-28233810-T-A.
Other names: c.1468A>T, p.Ile490Phe (NM_001290020.2); c.43A>T, p.Ile15Phe (NM_001290021.2); c.544A>T, p.Ile182Phe (NM_001312689.2); short protein forms I15F, I490F, I182F.
Identifiers: ClinVar variation 4631984 (VCV004631984.1).

ClinVar aggregate classification (germline): Uncertain significance (1 of 4 stars; one submission).

Conditions:
Primary ciliary dyskinesia. Also called: Ciliary dyskinesia. Identifiers: Orphanet 244, MedGen C0008780, MONDO:0016575, HP:0012265.

Submission:

Ambry Genetics
Classification: Uncertain significance for Primary ciliary dyskinesia. Last evaluated: 2025-11-22. Review status: criteria provided, single submitter. Criteria: Ambry Variant Classification Scheme 2023. Collection method: clinical testing. Allele origin: germline.
Comment: The p.I490F variant (also known as c.1468A>T), located in coding exon 10 of the ARMC4 gene, results from an A to T substitution at nucleotide position 1468. The isoleucine at codon 490 is replaced by phenylalanine, an amino acid with highly similar properties. This amino acid position is conserved. In addition, the in silico prediction for this alteration is inconclusive. Based on the available evidence, the clinical significance of this variant remains unclear.